The following is an entry in ClinVar:

NM_000079.4(CHRNA1):c.1002+9G>A

Gene: CHRNA1 (cholinergic receptor nicotinic alpha 1 subunit; minus strand). Cytogenetic location: 2q31.1.
Variant type: single nucleotide variant.
Coding change: c.1002+9G>A on transcript NM_000079.4 (MANE Select); 9 bases into the intron after coding-DNA position 1002, G replaced by A.
Molecular consequence: intron variant.
Genome position (GRCh38, 1-based): chr2:174,749,937, C>T on the plus strand (G>A on the coding strand, the complement: CHRNA1 is on the minus strand). VCF-style: chr2-174749937-C-T. GRCh37 (hg19) VCF-style: chr2-175614665-C-T.
Other names: c.1077+9G>A (NM_001039523.2, NM_001039523.3).
Identifiers: ClinVar variation 332441 (VCV000332441.18), dbSNP rs368959759, ClinGen allele CA1974407.
Genomic context (GRCh38, chr2:174,749,937, plus strand): 5'-ACTGGCTCCTCGAAGGGGAGGCCTGTAGATGTGCCTCCGTGTGAAGTCTGCAGGGGCCTC[C>T]CCACTCACCTTCCGCACCCAGTTGGGCATGACATGGGTGCTGGGTGAGCGGTGGTGTGTG-3'

ClinVar aggregate classification (germline): Conflicting classifications of pathogenicity. Review status: criteria provided, conflicting classifications (1 of 4 stars). 4 submissions from 3 submitters: Uncertain significance (2); Likely benign (1). 1 of the submissions does not count toward it. Last evaluated 2025-04-26.

Conditions:
CHRNA1-related disorder. Also called: CHRNA1-related condition.
Congenital myasthenic syndrome (CMS). Also called: Congenital Myasthenic Syndromes. Identifiers: Orphanet 590, MedGen C0751882, MeSH D020294, MONDO:0018940.
Lethal multiple pterygium syndrome (LMPS). Identifiers: Orphanet 33108, MedGen C1854678, MONDO:0009668, OMIM 253290.

Allele frequency attached by ClinVar (database versions not stated): gnomAD exomes 0.00008 and 0.00024; gnomAD 0.00009 and 0.00011; TOPMed 0.00011; ExAC 0.00013; ESP Exome Variant Server 0.00023.
gnomAD v4.1: 147 of 1,612,602 alleles (0.0091%); highest among the groups gnomAD compares: Middle Eastern, 0.017%; 1 homozygote.

Submissions (4):

Labcorp Genetics (formerly Invitae), Labcorp
Classification: Likely benign for Lethal multiple pterygium syndrome. Last evaluated: 2025-04-26. Review status: criteria provided, single submitter. Criteria: Invitae Variant Classification Sherloc (09022015). Collection method: clinical testing. Allele origin: germline.

Illumina Laboratory Services, Illumina
Classification: Uncertain significance for Congenital myasthenic syndrome. Last evaluated: 2018-01-12. Review status: criteria provided, single submitter. Criteria: ICSL Variant Classification Criteria 13 December 2019. Collection method: clinical testing. Allele origin: germline.

Illumina Laboratory Services, Illumina
Classification: Uncertain significance for Lethal multiple pterygium syndrome. Last evaluated: 2018-01-12. Review status: criteria provided, single submitter. Criteria: ICSL Variant Classification Criteria 13 December 2019. Collection method: clinical testing. Allele origin: germline.

PreventionGenetics, part of Exact Sciences
Classification: Likely benign for CHRNA1-related condition. Last evaluated: 2019-04-29. Review status: no assertion criteria provided. Collection method: clinical testing. Allele origin: germline. Not counted in ClinVar's aggregate classification.
Comment: This variant is classified as likely benign based on ACMG/AMP sequence variant interpretation guidelines (Richards et al. 2015 PMID: 25741868, with internal and published modifications).